The following is an entry in ClinVar:

NM_022455.5(NSD1):c.8062C>G (p.His2688Asp)

Gene: NSD1 (nuclear receptor binding SET domain protein 1; plus strand). Cytogenetic location: 5q35.3.
Variant type: single nucleotide variant.
Coding change: c.8062C>G on transcript NM_022455.5 (MANE Select); coding-DNA position 8062, C replaced by G.
Protein change: p.His2688Asp; replaces histidine 2688 with aspartic acid.
Molecular consequence: missense variant.
Genome position (GRCh38, 1-based): chr5:177,295,430, C>G. VCF-style: chr5-177295430-C-G. GRCh37 (hg19) VCF-style: chr5-176722431-C-G.
Other names: c.7189C>G, p.His2397Asp (NM_001365684.2, NM_001409308.1, NM_172349.5); c.8062C>G, p.His2688Asp (NM_001409301.1, NM_001409302.1, NM_001409303.1); c.7642C>G, p.His2548Asp (NM_001409304.1); c.7309C>G, p.His2437Asp (NM_001409305.1); c.7300C>G, p.His2434Asp (NM_001409306.1, NM_001409307.1); c.6940C>G, p.His2314Asp (NM_001409309.1); short protein forms H2314D, H2434D, H2437D, H2397D, H2548D, H2688D.
Identifiers: ClinVar variation 4773802 (VCV004773802.1).

ClinVar aggregate classification (germline): Uncertain significance (1 of 4 stars; one submission).

gnomAD v4.1: 1 of 1,614,134 alleles (0.000062%); highest among the groups gnomAD compares: Non-Finnish European, 0.000085%; no homozygotes.

Submission:

Labcorp Genetics (formerly Invitae), Labcorp
Classification: Uncertain significance. Last evaluated: 2025-08-04. Review status: criteria provided, single submitter. Criteria: Invitae Variant Classification Sherloc (09022015). Collection method: clinical testing. Allele origin: germline.
Comment: This sequence change replaces histidine, which is basic and polar, with aspartic acid, which is acidic and polar, at codon 2688 of the NSD1 protein (p.His2688Asp). This variant is not present in population databases (gnomAD no frequency). This variant has not been reported in the literature in individuals affected with NSD1-related conditions. Invitae Evidence Modeling of protein sequence and biophysical properties (such as structural, functional, and spatial information, amino acid conservation, physicochemical variation, residue mobility, and thermodynamic stability) has been performed for this missense variant. However, the output from this modeling did not meet the statistical confidence thresholds required to predict the impact of this variant on NSD1 protein function. In summary, the available evidence is currently insufficient to determine the role of this variant in disease. Therefore, it has been classified as a Variant of Uncertain Significance.